The following is an entry in ClinVar:

ClinVar aggregate classification (germline): Benign (1 of 4 stars; one submission).

Allele frequency attached by ClinVar (database versions not stated): TOPMed 0.21080; gnomAD 0.21319 and 0.21652; 1000 Genomes Project 30x 0.24047; 1000 Genomes Project 0.24681.
gnomAD v4.1: 32,961 of 152,014 alleles (22%); highest among the groups gnomAD compares: East Asian, 52%; 4,352 homozygotes.

Submission:

GeneDx
Classification: Benign. Last evaluated: 2018-06-19. Review status: criteria provided, single submitter. Criteria: GeneDx Variant Classification (06012015). Collection method: clinical testing. Allele origin: germline. Affected: yes.
Comment: This variant is considered likely benign or benign based on one or more of the following criteria: it is a conservative change, it occurs at a poorly conserved position in the protein, it is predicted to be benign by multiple in silico algorithms, and/or has population frequency not consistent with disease.

NM_018993.4(RIN2):c.352-313G>A

Gene: RIN2 (Ras and Rab interactor 2; plus strand). Cytogenetic location: 20p11.23.
Variant type: single nucleotide variant.
Coding change: c.352-313G>A on transcript NM_018993.4 (MANE Select); 313 bases into the intron before coding-DNA position 352, G replaced by A.
Molecular consequence: intron variant.
Genome position (GRCh38, 1-based): chr20:19,960,387, G>A. VCF-style: chr20-19960387-G-A. GRCh37 (hg19) VCF-style: chr20-19941031-G-A.
Other names: c.-194-313G>A (NM_001378238.1); c.499-313G>A (NM_001242581.2).
Identifiers: ClinVar variation 683743 (VCV000683743.1), dbSNP rs3748485, ClinGen allele CA14785171.
Genomic context (GRCh38, chr20:19,960,387, plus strand): 5'-AGGTTTCACCAACCAAGATATATAAGACAGGGGCTACAGAATATAACTCATATAAGACAG[G>A]GGCTGGAGACCGTAACTCCAGCAGTAAAACAGTCACTGAACTGAAAATGCTTATGCAGAC-3'